The following is an entry in ClinVar:

ClinVar aggregate classification (germline): Uncertain significance. Review status: criteria provided, multiple submitters, no conflicts (2 of 4 stars). 2 submissions from 2 submitters: Uncertain significance (2). Last evaluated 2021-12-03.

Conditions:
Mitochondrial complex II deficiency, nuclear type 1. Also called: SUCCINATE CoQ REDUCTASE DEFICIENCY. Identifiers: Orphanet 3208, MedGen C5700310, MONDO:0100294, OMIM 252011.
Pheochromocytoma/paraganglioma syndrome 5. Also called: Paragangliomas 5; SDHA-Related Hereditary Paraganglioma-Pheochromocytoma Syndrome. Identifiers: Orphanet 29072, MedGen C3279992, MONDO:0013602, OMIM 614165.
Hereditary cancer-predisposing syndrome. Also called: Hereditary Cancer Syndrome; Neoplastic Syndromes, Hereditary; Tumor predisposition; Hereditary neoplastic syndrome. Identifiers: Orphanet 140162, MedGen C0027672, MeSH D009386, MONDO:0015356.

Allele frequency attached by ClinVar (database versions not stated): TOPMed below 0.00001; gnomAD 0.00001.

Submissions (2):

Ambry Genetics
Classification: Uncertain significance for Hereditary cancer-predisposing syndrome. Last evaluated: 2021-12-03. Review status: criteria provided, single submitter. Criteria: Ambry Variant Classification Scheme 2023. Collection method: clinical testing. Allele origin: germline.
Comment: The p.S607P variant (also known as c.1819T>C), located in coding exon 14 of the SDHA gene, results from a T to C substitution at nucleotide position 1819. The serine at codon 607 is replaced by proline, an amino acid with similar properties. This amino acid position is highly conserved in available vertebrate species. In addition, this alteration is predicted to be deleterious by in silico analysis. Since supporting evidence is limited at this time, the clinical significance of this alteration remains unclear.

Labcorp Genetics (formerly Invitae), Labcorp
Classification: Uncertain significance for Pheochromocytoma/paraganglioma syndrome 5; Mitochondrial complex II deficiency, nuclear type 1. Last evaluated: 2020-04-21. Review status: criteria provided, single submitter. Criteria: Invitae Variant Classification Sherloc (09022015). Collection method: clinical testing. Allele origin: germline.
Comment: Algorithms developed to predict the effect of missense changes on protein structure and function are either unavailable or do not agree on the potential impact of this missense change (SIFT: "Tolerated"; PolyPhen-2: "Possibly Damaging"; Align-GVGD: "Class C0"). In summary, the available evidence is currently insufficient to determine the role of this variant in disease. Therefore, it has been classified as a Variant of Uncertain Significance. This variant has not been reported in the literature in individuals with SDHA-related conditions. This variant is not present in population databases (ExAC no frequency). This sequence change replaces serine with proline at codon 607 of the SDHA protein (p.Ser607Pro). The serine residue is highly conserved and there is a moderate physicochemical difference between serine and proline.

NM_004168.4(SDHA):c.1819T>C (p.Ser607Pro)

Gene: SDHA (succinate dehydrogenase complex flavoprotein subunit A; plus strand). Cytogenetic location: 5p15.33.
Variant type: single nucleotide variant.
Coding change: c.1819T>C on transcript NM_004168.4 (MANE Select); coding-DNA position 1819, T replaced by C.
Protein change: p.Ser607Pro; replaces serine 607 with proline.
Molecular consequence: missense variant.
Genome position (GRCh38, 1-based): chr5:254,417, T>C. VCF-style: chr5-254417-T-C. GRCh37 (hg19) VCF-style: chr5-254532-T-C.
Other names: c.1675T>C, p.Ser559Pro (NM_001294332.2); c.1576T>C, p.Ser526Pro (NM_001330758.2); short protein forms S559P, S526P, S607P.
Identifiers: ClinVar variation 949240 (VCV000949240.12), dbSNP rs1183122120, ClinGen allele CA359001745.